The following is an entry in ClinVar:

ClinVar aggregate classification (germline): Uncertain significance. Review status: criteria provided, multiple submitters, no conflicts (2 of 4 stars). 3 submissions from 3 submitters: Uncertain significance (3). Last evaluated 2024-10-30.

Conditions:
Hereditary cancer-predisposing syndrome. Also called: Tumor predisposition; Hereditary Cancer Syndrome; Neoplastic Syndromes, Hereditary; Hereditary neoplastic syndrome. Identifiers: Orphanet 140162, MedGen C0027672, MeSH D009386, MONDO:0015356.
Basal cell carcinoma, susceptibility to, 1. Also called: BCC1. Identifiers: MedGen C2751544, MONDO:0011556, OMIM 605462.
Gorlin syndrome. Also called: Basal cell nevus syndrome; Nevoid Basal Cell Carcinoma Syndrome. Identifiers: Orphanet 377, MedGen C0004779, MONDO:0007187.

Submissions (3):

Labcorp Genetics (formerly Invitae), Labcorp
Classification: Uncertain significance for Gorlin syndrome. Last evaluated: 2024-10-30. Review status: criteria provided, single submitter. Criteria: Invitae Variant Classification Sherloc (09022015). Collection method: clinical testing. Allele origin: germline.
Comment: This sequence change replaces proline, which is neutral and non-polar, with arginine, which is basic and polar, at codon 252 of the PTCH1 protein (p.Pro252Arg). This variant is not present in population databases (gnomAD no frequency). This variant has not been reported in the literature in individuals affected with PTCH1-related conditions. ClinVar contains an entry for this variant (Variation ID: 453912). Invitae Evidence Modeling of protein sequence and biophysical properties (such as structural, functional, and spatial information, amino acid conservation, physicochemical variation, residue mobility, and thermodynamic stability) indicates that this missense variant is not expected to disrupt PTCH1 protein function with a negative predictive value of 95%. In summary, the available evidence is currently insufficient to determine the role of this variant in disease. Therefore, it has been classified as a Variant of Uncertain Significance.

Ambry Genetics
Classification: Uncertain significance for Hereditary cancer-predisposing syndrome. Last evaluated: 2024-03-19. Review status: criteria provided, single submitter. Criteria: Ambry Variant Classification Scheme 2023. Collection method: clinical testing. Allele origin: germline.
Comment: The p.P252R variant (also known as c.755C>G), located in coding exon 6 of the PTCH1 gene, results from a C to G substitution at nucleotide position 755. The proline at codon 252 is replaced by arginine, an amino acid with dissimilar properties. This amino acid position is well conserved in available vertebrate species. In addition, the in silico prediction for this alteration is inconclusive. Since supporting evidence is limited at this time, the clinical significance of this alteration remains unclear.

Baylor Genetics
Classification: Uncertain significance for Basal cell carcinoma, susceptibility to, 1. Last evaluated: 2023-06-04. Review status: criteria provided, single submitter. Criteria: ACMG Guidelines, 2015. Collection method: clinical testing. Allele origin: unknown.

NM_000264.5(PTCH1):c.755C>G (p.Pro252Arg)

Gene: PTCH1 (patched 1; minus strand). Cytogenetic location: 9q22.32.
Variant type: single nucleotide variant.
Coding change: c.755C>G on transcript NM_000264.5 (MANE Select); coding-DNA position 755, C replaced by G.
Protein change: p.Pro252Arg; replaces proline 252 with arginine.
Molecular consequence: missense variant. On other transcripts: non-coding transcript variant (1).
Genome position (GRCh38, 1-based): chr9:95,480,580, G>C on the plus strand (C>G on the coding strand, the complement: PTCH1 is on the minus strand). VCF-style: chr9-95480580-G-C. GRCh37 (hg19) VCF-style: chr9-98242862-G-C.
Other names: c.557C>G, p.Pro186Arg (NM_001083602.3); c.752C>G, p.Pro251Arg (NM_001083603.3); c.302C>G, p.Pro101Arg (NM_001083604.3, NM_001083605.3, NM_001083606.3 and 1 more transcripts); c.755C>G, p.Pro252Arg (NM_001354918.2); short protein forms P186R, P252R, P101R, P251R.
Identifiers: ClinVar variation 453912 (VCV000453912.13), dbSNP rs1554700016, ClinGen allele CA374114598.